The following is an entry in ClinVar:

ClinVar aggregate classification (germline): Uncertain significance. Review status: criteria provided, multiple submitters, no conflicts (2 of 4 stars). 2 submissions from 2 submitters: Uncertain significance (2). Last evaluated 2025-04-30.

Conditions:
Inborn genetic diseases. Identifiers: MedGen C0950123, MeSH D030342.

Submissions (2):

GeneDx
Classification: Uncertain significance. Last evaluated: 2025-04-30. Review status: criteria provided, single submitter. Criteria: GeneDx Variant Classification Process June 2021. Collection method: clinical testing. Allele origin: germline. Affected: yes.
Comment: Not observed at significant frequency in large population cohorts (gnomAD); Frameshift variant predicted to result in protein truncation or nonsense mediated decay in a gene or region of a gene for which loss of function is not a well-established mechanism of disease; Has not been previously published as pathogenic or benign to our knowledge

Ambry Genetics
Classification: Uncertain significance for Inborn genetic diseases. Last evaluated: 2022-06-06. Review status: criteria provided, single submitter. Criteria: Ambry Variant Classification Scheme 2023. Collection method: clinical testing. Allele origin: germline.
Comment: Loss of function has not been established as a mechanism of disease Based on insufficient or conflicting evidence, the clinical significance of this alteration remains unclear.

NM_015330.6(SPECC1L):c.1913del (p.Asn638fs)

Genes: SPECC1L (sperm antigen with calponin homology and coiled-coil domains 1 like; plus strand), SPECC1L-ADORA2A (SPECC1L-ADORA2A readthrough (NMD candidate); plus strand). Cytogenetic location: 22q11.23.
Variant type: Deletion.
Coding change: c.1913del on transcript NM_015330.6 (MANE Select); coding-DNA position 1913, one base deleted (A; older notation c.1913delA).
Protein change: p.Asn638fs; shifts the reading frame from asparagine 638.
Molecular consequence: frameshift variant. On other transcripts: non-coding transcript variant (1).
Genome position (GRCh38, 1-based): chr22:24,322,893, A deleted; the last of 2 consecutive A bases (chr22:24,322,892-24,322,893); deleting either gives the same sequence. VCF-style (leftmost placement, unchanged base first): chr22-24322891-CA-C. GRCh37 (hg19) VCF-style: chr22-24718859-CA-C.
Other names: c.1913del, p.Asn638fs (NM_001145468.4, NM_001254732.3); short protein forms N638fs.
Identifiers: ClinVar variation 2287305 (VCV002287305.3), dbSNP rs1295460959, ClinGen allele CA751842407.